The following is an entry in ClinVar:

ClinVar aggregate classification (germline): Uncertain significance. Review status: criteria provided, multiple submitters, no conflicts (2 of 4 stars). 2 submissions from 2 submitters: Uncertain significance (2). Last evaluated 2024-11-15.

Conditions:
Inborn genetic diseases. Identifiers: MedGen C0950123, MeSH D030342.

Allele frequency attached by ClinVar (database versions not stated): gnomAD 0.00001; gnomAD exomes 0.00001 and 0.00003; TOPMed 0.00001.

Submissions (2):

Ambry Genetics
Classification: Uncertain significance for Inborn genetic diseases. Last evaluated: 2024-11-15. Review status: criteria provided, single submitter. Criteria: Ambry Variant Classification Scheme 2023. Collection method: clinical testing. Allele origin: germline.

Labcorp Genetics (formerly Invitae), Labcorp
Classification: Uncertain significance. Last evaluated: 2022-07-25. Review status: criteria provided, single submitter. Criteria: Invitae Variant Classification Sherloc (09022015). Collection method: clinical testing. Allele origin: germline.
Comment: ClinVar contains an entry for this variant (Variation ID: 1519371). In summary, the available evidence is currently insufficient to determine the role of this variant in disease. Therefore, it has been classified as a Variant of Uncertain Significance. Algorithms developed to predict the effect of missense changes on protein structure and function output the following: SIFT: "Tolerated"; PolyPhen-2: "Benign"; Align-GVGD: "Class C0". The valine amino acid residue is found in multiple mammalian species, which suggests that this missense change does not adversely affect protein function. This variant has not been reported in the literature in individuals affected with GTPBP3-related conditions. The frequency data for this variant in the population databases is considered unreliable, as metrics indicate poor data quality at this position in the gnomAD database. This sequence change replaces glycine, which is neutral and non-polar, with valine, which is neutral and non-polar, at codon 390 of the GTPBP3 protein (p.Gly390Val).

NM_032620.4(GTPBP3):c.1073G>T (p.Gly358Val)

Gene: GTPBP3 (GTP binding protein 3, mitochondrial; plus strand). Cytogenetic location: 19p13.11.
Variant type: single nucleotide variant.
Coding change: c.1073G>T on transcript NM_032620.4 (MANE Select); coding-DNA position 1073, G replaced by T.
Protein change: p.Gly358Val; replaces glycine 358 with valine.
Molecular consequence: missense variant.
Genome position (GRCh38, 1-based): chr19:17,341,142, G>T. VCF-style: chr19-17341142-G-T. GRCh37 (hg19) VCF-style: chr19-17451951-G-T.
Other names: c.1010G>T, p.Gly337Val (NM_001128855.3); c.1139G>T, p.Gly380Val (NM_001195422.1); c.1169G>T, p.Gly390Val (NM_133644.4); c.1169G>T (NM_133644.3); short protein forms G390V, G358V, G337V, G380V.
Identifiers: ClinVar variation 1519371 (VCV001519371.9), dbSNP rs1218757546, ClinGen allele CA404738739.
Genomic context (GRCh38, chr19:17,341,142, plus strand): 5'-CTTCTGACCTGGCCTCTCCCTCCAGTTGCAACTTCCTGGCCACCGTCGTAGCCTCTGTGG[G>T]AGCCCAGAGCCCCAGTGACAGCAGCCAGCGCCTCCTCCTGGTGCTGAACAAGTCGGACCT-3'
Protein context (NP_116009.2, residues 348-368): NFLATVVASV[Gly358Val]AQSPSDSSQR